The following is an entry in ClinVar:

ClinVar aggregate classification (germline): Conflicting classifications of pathogenicity. Review status: criteria provided, conflicting classifications (1 of 4 stars). 5 submissions from 5 submitters: Uncertain significance (2); Likely benign (2). 1 of the submissions does not count toward it. Last evaluated 2025-08-18.

Conditions:
SMARCA4-related disorder. Also called: SMARCA4-related condition.
Hereditary cancer-predisposing syndrome. Also called: Hereditary Cancer Syndrome; Hereditary neoplastic syndrome; Neoplastic Syndromes, Hereditary; Tumor predisposition. Identifiers: Orphanet 140162, MedGen C0027672, MeSH D009386, MONDO:0015356.
Intellectual disability, autosomal dominant 16 (CSS4). Also called: COFFIN-SIRIS SYNDROME 4. Identifiers: Orphanet 1465, MedGen C3553249, MONDO:0013821, OMIM 614609.
Rhabdoid tumor predisposition syndrome 2 (RTPS2). Identifiers: Orphanet 231108, Orphanet 69077, MedGen C2750074, MONDO:0013224, OMIM 613325.

Allele frequency attached by ClinVar (database versions not stated): gnomAD 0.00001; TOPMed 0.00002.
gnomAD v4.1: 3 of 1,611,426 alleles (0.00019%); highest among the groups gnomAD compares: African/African-American, 0.0013%; no homozygotes.

Submissions (5):

Labcorp Genetics (formerly Invitae), Labcorp
Classification: Likely benign for Rhabdoid tumor predisposition syndrome 2. Last evaluated: 2025-08-18. Review status: criteria provided, single submitter. Criteria: Invitae Variant Classification Sherloc (09022015). Collection method: clinical testing. Allele origin: germline.

GeneDx
Classification: Uncertain significance. Last evaluated: 2022-07-11. Review status: criteria provided, single submitter. Criteria: GeneDx Variant Classification Process June 2021. Collection method: clinical testing. Allele origin: germline. Affected: yes.
Comment: Not observed at significant frequency in large population cohorts (gnomAD); Has not been previously published as pathogenic or benign to our knowledge; In silico analysis, which includes splice predictors and evolutionary conservation, suggests this variant may impact gene splicing. In the absence of RNA/functional studies, the actual effect of this sequence change is unknown.

Ambry Genetics
Classification: Likely benign for Hereditary cancer-predisposing syndrome. Last evaluated: 2022-03-14. Review status: criteria provided, single submitter. Criteria: Ambry Variant Classification Scheme 2023. Collection method: clinical testing. Allele origin: germline.

Genome-Nilou Lab
Classification: Uncertain significance for Intellectual disability, autosomal dominant 16. Last evaluated: 2021-07-15. Review status: criteria provided, single submitter. Criteria: ACMG Guidelines, 2015. Collection method: clinical testing. Allele origin: germline. Affected: no.

PreventionGenetics, part of Exact Sciences
Classification: Uncertain significance for SMARCA4-related condition. Last evaluated: 2024-06-16. Review status: no assertion criteria provided. Collection method: clinical testing. Allele origin: germline. Not counted in ClinVar's aggregate classification.
Comment: The SMARCA4 c.3547-3C>G variant is predicted to interfere with splicing. This variant is predicted to alter splicing based on available splicing prediction programs (SpliceAI, Jaganathan et al. 2019. PubMed ID: 30661751). However, the use of computer prediction programs is not equivalent to functional evidence. To our knowledge, this variant has not been reported in the literature or in a large population database, indicating this variant is rare. This variant is interpreted as a variant of uncertain significance or likely benign. At this time, the clinical significance of this variant is uncertain due to the absence of conclusive functional and genetic evidence.

NM_003072.5(SMARCA4):c.3547-3C>G

Gene: SMARCA4 (SWI/SNF related BAF chromatin remodeling complex subunit ATPase 4; plus strand). Cytogenetic location: 19p13.2.
Variant type: single nucleotide variant.
Coding change: c.3547-3C>G on transcript NM_003072.5 (MANE Select); 3 bases into the intron before coding-DNA position 3547, C replaced by G.
Molecular consequence: intron variant.
Genome position (GRCh38, 1-based): chr19:11,033,287, C>G. VCF-style: chr19-11033287-C-G. GRCh37 (hg19) VCF-style: chr19-11143963-C-G.
Other names: c.3547-3C>G (NM_001128844.3, NM_001128849.3, NM_001128847.4 and 5 more transcripts).
Identifiers: ClinVar variation 408649 (VCV000408649.18), dbSNP rs927543047, ClinGen allele CA16615948.